The following is an entry in ClinVar:

NM_001868.4(CPA1):c.371C>T (p.Thr124Ile)

Gene: CPA1 (carboxypeptidase A1; plus strand). Cytogenetic location: 7q32.2.
Variant type: single nucleotide variant.
Coding change: c.371C>T on transcript NM_001868.4 (MANE Select); coding-DNA position 371, C replaced by T.
Protein change: p.Thr124Ile; replaces threonine 124 with isoleucine.
Molecular consequence: missense variant.
Genome position (GRCh38, 1-based): chr7:130,381,853, C>T. VCF-style: chr7-130381853-C-T. GRCh37 (hg19) VCF-style: chr7-130021694-C-T.
Other names: short protein forms T124I.
Identifiers: ClinVar variation 824121 (VCV000824121.39), dbSNP rs150653308, ClinGen allele CA4484768.

ClinVar aggregate classification (germline): Benign/Likely benign. Review status: criteria provided, multiple submitters, no conflicts (2 of 4 stars). 6 submissions from 6 submitters: Benign (1); Likely benign (4). 1 of the submissions does not count toward it. Last evaluated 2026-01-28.

Conditions:
Hereditary pancreatitis (PCTT). Also called: Hereditary chronic pancreatitis; PRSS1-Related Hereditary Pancreatitis. Identifiers: Orphanet 676, MedGen C0238339, MONDO:0008185, OMIM 167800.
CPA1-related disorder. Also called: CPA1-related condition.

Allele frequency attached by ClinVar (database versions not stated): TOPMed 0.00077; 1000 Genomes Project 30x 0.00078; 1000 Genomes Project 0.00100; ESP Exome Variant Server 0.00108; gnomAD 0.00155 and 0.00165; ExAC 0.00180; gnomAD exomes 0.00186.
gnomAD v4.1: 1,908 of 1,613,552 alleles (0.12%); highest among the groups gnomAD compares: Non-Finnish European, 0.1%; 5 homozygotes.

Submissions (6):

Labcorp Genetics (formerly Invitae), Labcorp
Classification: Benign. Last evaluated: 2026-01-28. Review status: criteria provided, single submitter. Criteria: Invitae Variant Classification Sherloc (09022015). Collection method: clinical testing. Allele origin: germline.

CeGaT Center for Human Genetics Tuebingen
Classification: Likely benign. Last evaluated: 2024-12-01. Review status: criteria provided, single submitter. Criteria: CeGaT Center For Human Genetics Tuebingen Variant Classification Criteria Version 2. Collection method: clinical testing. Allele origin: germline. Affected: yes. Observed: 3 variant alleles.
Comment: CPA1: BS1

Blueprint Genetics
Classification: Likely benign. Last evaluated: 2024-11-27. Review status: criteria provided, single submitter. Criteria: ACMG Guidelines, 2015. Collection method: clinical testing. Allele origin: germline.

Sema4
Classification: Likely benign for Hereditary pancreatitis. Last evaluated: 2021-05-10. Review status: criteria provided, single submitter. Criteria: Sema4 Curation Guidelines. Collection method: curation. Allele origin: germline.

Ambry Genetics
Classification: Likely benign for Hereditary pancreatitis. Last evaluated: 2018-11-30. Review status: criteria provided, single submitter. Criteria: Ambry Variant Classification Scheme 2023. Collection method: clinical testing. Allele origin: germline.

PreventionGenetics, part of Exact Sciences
Classification: Likely benign for CPA1-related condition. Last evaluated: 2023-02-27. Review status: no assertion criteria provided. Collection method: clinical testing. Allele origin: germline. Not counted in ClinVar's aggregate classification.
Comment: This variant is classified as likely benign based on ACMG/AMP sequence variant interpretation guidelines (Richards et al. 2015 PMID: 25741868, with internal and published modifications).

Literature cited by the submitters: PubMed 23955596 (cited by Ambry Genetics).